The following is an entry in ClinVar:

ClinVar aggregate classification (germline): Uncertain significance (1 of 4 stars; one submission).

Submission:

Labcorp Genetics (formerly Invitae), Labcorp
Classification: Uncertain significance. Last evaluated: 2023-10-18. Review status: criteria provided, single submitter. Criteria: Invitae Variant Classification Sherloc (09022015). Collection method: clinical testing. Allele origin: germline.
Comment: This sequence change replaces proline, which is neutral and non-polar, with glutamine, which is neutral and polar, at codon 185 of the MKL1 protein (p.Pro185Gln). This variant is present in population databases (rs545698340, gnomAD no frequency). This variant has not been reported in the literature in individuals affected with MKL1-related conditions. An algorithm developed to predict the effect of missense changes on protein structure and function (PolyPhen-2) suggests that this variant is likely to be tolerated. In summary, the available evidence is currently insufficient to determine the role of this variant in disease. Therefore, it has been classified as a Variant of Uncertain Significance.

NM_020831.6(MRTFA):c.854C>A (p.Pro285Gln)

Gene: MRTFA (myocardin related transcription factor A; minus strand). Cytogenetic location: 22q13.1.
Variant type: single nucleotide variant.
Coding change: c.854C>A on transcript NM_020831.6 (MANE Select); coding-DNA position 854, C replaced by A.
Protein change: p.Pro285Gln; replaces proline 285 with glutamine.
Molecular consequence: missense variant. On other transcripts: intron variant (1).
Genome position (GRCh38, 1-based): chr22:40,423,609, G>T on the plus strand (C>A on the coding strand, the complement: MRTFA is on the minus strand). VCF-style: chr22-40423609-G-T. GRCh37 (hg19) VCF-style: chr22-40819613-G-T.
Other names: c.554C>A, p.Pro185Gln (NM_001282660.2); c.854C>A, p.Pro285Gln (NM_001282662.3); c.659C>A, p.Pro220Gln (NM_001318139.2); c.777+597C>A (NM_001282661.3); short protein forms P185Q, P220Q, P285Q.
Identifiers: ClinVar variation 2975891 (VCV002975891.3), dbSNP rs545698340, ClinGen allele CA10249853.